The following is an entry in ClinVar:

NM_024675.4(PALB2):c.2587-37G>C

Gene: PALB2 (partner and localizer of BRCA2; minus strand). Cytogenetic location: 16p12.2.
Variant type: single nucleotide variant.
Coding change: c.2587-37G>C on transcript NM_024675.4 (MANE Select); 37 bases into the intron before coding-DNA position 2587, G replaced by C.
Molecular consequence: intron variant.
Genome position (GRCh38, 1-based): chr16:23,626,434, C>G on the plus strand (G>C on the coding strand, the complement: PALB2 is on the minus strand). VCF-style: chr16-23626434-C-G. GRCh37 (hg19) VCF-style: chr16-23637755-C-G.
Identifiers: ClinVar variation 126665 (VCV000126665.3), dbSNP rs180177118, ClinGen allele CA269546.

ClinVar aggregate classification (germline): Likely benign (0 of 4 stars; one submission).

Conditions:
Familial cancer of breast. Also called: BREAST CANCER, FAMILIAL; hereditary breast carcinoma; Hereditary breast cancer. Identifiers: Orphanet 227535, MedGen C0346153, MONDO:0016419, OMIM 114480. Disease mechanism: loss of function.

Submission:

Leiden Open Variation Database
Classification: Likely benign for Familial cancer of breast. Last evaluated: 2019-05-13. Review status: no assertion criteria provided. Collection method: curation. Allele origin: germline. Affected: yes.
Comment: Curators: Marc Tischkowitz, Arleen D. Auerbach. Submitter to LOVD: Marc Tischkowitz.

Literature cited by the submitters: PubMed 19763884.